The following is an entry in ClinVar:

NM_000092.5(COL4A4):c.4548_4549insCCAAGGTCTGGCAGGGTCTTGCCTTCCCGTG (p.Phe1517fs)

Gene: COL4A4 (collagen type IV alpha 4 chain; minus strand). Cytogenetic location: 2q36.3.
Variant type: Insertion.
Coding change: c.4548_4549insCCAAGGTCTGGCAGGGTCTTGCCTTCCCGTG on transcript NM_000092.5 (MANE Select); coding-DNA positions 4548 to 4549, CCAAGGTCTGGCAGGGTCTTGCCTTCCCGTG inserted.
Protein change: p.Phe1517fs; shifts the reading frame from phenylalanine 1517.
Molecular consequence: frameshift variant.
Genome position: GRCh38: chr2:227,008,278-227,008,279. GRCh37 (hg19): chr2:227,872,994-227,872,995.
Other names: short protein forms F1517fs.
Identifiers: ClinVar variation 3651286 (VCV003651286.2).
Genomic context (GRCh38, chr2:227,008,278, plus strand): 5'-TTCTCTGGGCATAGTGGCACACCTGGTGGATGTTGCAGTAGGCAAAGGGCAGCGTGCTAA[A>ACACGGGAAGGCAAGACCCTGCCAGACCTTGG]TACGGGAAGGCAAGACCCTGCCAGACCTTGGGAAGGGAAGAAGAGACAGCTGGTGTCCAA-3'

ClinVar aggregate classification (germline): Pathogenic (1 of 4 stars; one submission).

Submission:

Labcorp Genetics (formerly Invitae), Labcorp
Classification: Pathogenic. Last evaluated: 2024-04-26. Review status: criteria provided, single submitter. Criteria: Invitae Variant Classification Sherloc (09022015). Collection method: clinical testing. Allele origin: germline.
Comment: This sequence change creates a premature translational stop signal (p.Phe1517Profs*12) in the COL4A4 gene. It is expected to result in an absent or disrupted protein product. Loss-of-function variants in COL4A4 are known to be pathogenic (PMID: 21196518, 24854265, 25307543). This variant is not present in population databases (gnomAD no frequency). This variant has not been reported in the literature in individuals affected with COL4A4-related conditions. For these reasons, this variant has been classified as Pathogenic.

Literature cited by the submitters: PubMed 21196518; PubMed 24854265; PubMed 25307543.